The following is an entry in ClinVar:

ClinVar aggregate classification (germline): Uncertain significance (1 of 4 stars; one submission).

Conditions:
CFI-related disorder. Also called: CFI-related condition; CFI-related disorders. Identifiers: MedGen CN239325.

Submission:

Genomenon, Inc
Classification: Uncertain significance for CFI-related disorder. Last evaluated: 2026-09-17. Review status: criteria provided, single submitter. Criteria: Genomenon Sequence Variant Interpretation Standards - Updated. Collection method: curation. Allele origin: germline. Affected: no.
Comment: CFI p.Asp515Asn (c.1543G>A) is a missense variant that changes the amino acid at codon 515 from Aspartic acid to Asparagine. This variant has been reported in the published literature (PMID:22393059). This variant is located in a mutational hotspot and/or important functional domain. It is absent or not present at a significant frequency in gnomAD. In conclusion, we classify CFI p.Asp515Asn (c.1543G>A) as a variant of uncertain significance.

Literature cited by the submitters: PubMed 22393059.

NM_000204.5(CFI):c.1543G>A (p.Asp515Asn)

Gene: CFI (complement factor I; minus strand). Cytogenetic location: 4q25.
Variant type: single nucleotide variant.
Coding change: c.1543G>A on transcript NM_000204.5 (MANE Select); coding-DNA position 1543, G replaced by A.
Protein change: p.Asp515Asn; replaces aspartic acid 515 with asparagine.
Molecular consequence: missense variant. On other transcripts: 3 prime UTR variant (2), non-coding transcript variant (3), intron variant (7).
Genome position (GRCh38, 1-based): chr4:109,741,102, C>T on the plus strand (G>A on the coding strand, the complement: CFI is on the minus strand). VCF-style: chr4-109741102-C-T. GRCh37 (hg19) VCF-style: chr4-110662258-C-T.
Other names: c.1567G>A, p.Asp523Asn (NM_001318057.2); c.1522G>A, p.Asp508Asn (NM_001331035.2); c.1486G>A, p.Asp496Asn (NM_001375283.1); c.934G>A, p.Asp312Asn (NM_001375284.1); c.1564G>A, p.Asp522Asn (NM_001440986.1); c.*243G>A (NM_001440989.1, NM_001440991.1); c.1513+1389G>A (NM_001375282.1, NM_001375280.1); c.1534+1389G>A (NM_001375281.1, NM_001375279.1); and 2 more; short protein forms D312N, D496N, D508N, D515N, D522N, D523N.
Identifiers: ClinVar variation 4280460 (VCV004280460.2).